The following is an entry in ClinVar:

NM_001368882.1(COL13A1):c.913_915dup (p.Gly305dup)

Gene: COL13A1 (collagen type XIII alpha 1 chain; plus strand). Cytogenetic location: 10q22.1.
Variant type: Duplication.
Coding change: c.913_915dup on transcript NM_001368882.1 (MANE Select); coding-DNA positions 913 to 915, 3 bases duplicated (GGC; older notation c.913_915dupGGC).
Protein change: p.Gly305dup; duplicates glycine 305.
Molecular consequence: inframe insertion.
Genome position (GRCh38, 1-based): chr10:69,905,814-69,905,816, GGC duplicated; duplicating any 3 consecutive bases within chr10:69,905,813-69,905,816 gives the same sequence; the c. name uses the placement nearest the transcript's 3' end. VCF-style (leftmost placement, unchanged base first): chr10-69905812-A-ACGG. GRCh37 (hg19) VCF-style: chr10-71665568-A-ACGG.
Other names: c.943_945dup, p.Gly315dup (NM_001130103.2); c.913_915dup, p.Gly305dup (NM_001320951.2, NM_001368884.1); c.877_879dup, p.Gly293dup (NM_001368883.1, NM_001368885.1, NM_080801.4 and 1 more transcripts); c.313_315dup, p.Gly105dup (NM_001368886.1); c.823_825dup, p.Gly275dup (NM_001368895.1); c.772_774dup, p.Gly258dup (NM_001368896.1, NM_001368898.1, NM_080798.4); c.799_801dup, p.Gly267dup (NM_001368897.1); c.886_888dup, p.Gly296dup (NM_080800.4); and 1 more.
Identifiers: ClinVar variation 1363776 (VCV001363776.5), dbSNP rs770397178, ClinGen allele CA5534482.
Genomic context (GRCh38, chr10:69,905,812, plus strand): 5'-AAACCTCTTTAATGGCCTTCTCTTTGTTTTCCCAGGGAGACCCAGGGATCCAGGGCTACC[A>ACGG]CGGCCGGAAGGTAAGATGGAGGGGGAGGACCCAAGTGGGGCAGGACTTTGGACAAATCAG-3'

ClinVar aggregate classification (germline): Uncertain significance (1 of 4 stars; one submission).

Submission:

Labcorp Genetics (formerly Invitae), Labcorp
Classification: Uncertain significance. Last evaluated: 2021-08-13. Review status: criteria provided, single submitter. Criteria: Invitae Variant Classification Sherloc (09022015). Collection method: clinical testing. Allele origin: germline.
Comment: This variant, c.943_945dup, results in the insertion of 1 amino acid(s) to the COL13A1 protein (p.Gly315dup), but otherwise preserves the integrity of the reading frame. This variant is present in population databases (rs770397178, ExAC 0.003%). This variant has not been reported in the literature in individuals affected with COL13A1-related conditions. Experimental studies and prediction algorithms are not available or were not evaluated, and the functional significance of this variant is currently unknown. In summary, the available evidence is currently insufficient to determine the role of this variant in disease. Therefore, it has been classified as a Variant of Uncertain Significance.